The following is an entry in ClinVar:

ClinVar aggregate classification (germline): Uncertain significance (1 of 4 stars; one submission).

Conditions:
Heterotaxy, visceral, 9, autosomal, with male infertility. Identifiers: MedGen C5394551, MONDO:0030070, OMIM 618948.

gnomAD v4.1: 31 of 1,599,452 alleles (0.0019%); highest among the groups gnomAD compares: South Asian, 0.035%; no homozygotes.

Submission:

MVZ Medizinische Genetik Mainz
Classification: Uncertain significance for Heterotaxy, visceral, 9, autosomal, with male infertility. Last evaluated: 2025-10-28. Review status: criteria provided, single submitter. Criteria: UK Practice Guidelines For Variant Classification V4 01 2020. Collection method: clinical testing. Allele origin: germline. Inheritance: Autosomal recessive inheritance. Affected: yes. Observed: 1 variant allele.
Comment: ACMG Criteria: PVS1_MOD,PM2_SUP,PM3_SUP

NM_018365.4(MNS1):c.10A>T (p.Lys4Ter)

Gene: MNS1 (meiosis specific nuclear structural 1; minus strand). Cytogenetic location: 15q21.3.
Variant type: single nucleotide variant.
Coding change: c.10A>T on transcript NM_018365.4 (MANE Select); coding-DNA position 10, A replaced by T.
Protein change: p.Lys4Ter; replaces lysine 4 with a stop codon.
Molecular consequence: nonsense.
Genome position (GRCh38, 1-based): chr15:56,464,241, T>A on the plus strand (A>T on the coding strand, the complement: MNS1 is on the minus strand). VCF-style: chr15-56464241-T-A. GRCh37 (hg19) VCF-style: chr15-56756439-T-A.
Other names: short protein forms K4*.
Identifiers: ClinVar variation 4532208 (VCV004532208.1).